The following is an entry in ClinVar:

NM_001013703.4(EIF2AK4):c.4218G>T (p.Gln1406His)

Gene: EIF2AK4 (eukaryotic translation initiation factor 2 alpha kinase 4; plus strand). Cytogenetic location: 15q15.1.
Variant type: single nucleotide variant.
Coding change: c.4218G>T on transcript NM_001013703.4 (MANE Select); coding-DNA position 4218, G replaced by T.
Protein change: p.Gln1406His; replaces glutamine 1406 with histidine.
Molecular consequence: missense variant.
Genome position (GRCh38, 1-based): chr15:40,020,943, G>T. VCF-style: chr15-40020943-G-T. GRCh37 (hg19) VCF-style: chr15-40313144-G-T.
Other names: short protein forms Q1406H.
Identifiers: ClinVar variation 515404 (VCV000515404.35), dbSNP rs55721315, ClinGen allele CA7474554.

ClinVar aggregate classification (germline): Benign/Likely benign. Review status: criteria provided, multiple submitters, no conflicts (2 of 4 stars). 3 submissions from 3 submitters: Benign (2); Likely benign (1). Last evaluated 2025-08-21.

Allele frequency attached by ClinVar (database versions not stated): gnomAD 0.00043 and 0.00050; TOPMed 0.00065; ExAC 0.00100; 1000 Genomes Project 30x 0.00141; 1000 Genomes Project 0.00160.
gnomAD v4.1: 455 of 1,613,140 alleles (0.028%); highest among the groups gnomAD compares: East Asian, 0.83%; 2 homozygotes.

Submissions (3):

Labcorp Genetics (formerly Invitae), Labcorp
Classification: Benign. Last evaluated: 2025-08-21. Review status: criteria provided, single submitter. Criteria: Invitae Variant Classification Sherloc (09022015). Collection method: clinical testing. Allele origin: germline.

CeGaT Center for Human Genetics Tuebingen
Classification: Benign. Last evaluated: 2023-10-01. Review status: criteria provided, single submitter. Criteria: CeGaT Center For Human Genetics Tuebingen Variant Classification Criteria Version 2. Collection method: clinical testing. Allele origin: germline. Affected: yes. Observed: 1 variant allele.
Comment: EIF2AK4: BP4, BS1, BS2

GeneDx
Classification: Likely benign. Last evaluated: 2018-02-05. Review status: criteria provided, single submitter. Criteria: GeneDx Variant Classification (06012015). Collection method: clinical testing. Allele origin: germline. Affected: yes.
Comment: This variant is considered likely benign or benign based on one or more of the following criteria: it is a conservative change, it occurs at a poorly conserved position in the protein, it is predicted to be benign by multiple in silico algorithms, and/or has population frequency not consistent with disease.